The following is an entry in ClinVar:

NM_014989.7(RIMS1):c.2176G>A (p.Val726Ile)

Gene: RIMS1 (regulating synaptic membrane exocytosis 1; plus strand). Cytogenetic location: 6q13.
Variant type: single nucleotide variant.
Coding change: c.2176G>A on transcript NM_014989.7 (MANE Select); coding-DNA position 2176, G replaced by A.
Protein change: p.Val726Ile; replaces valine 726 with isoleucine.
Molecular consequence: missense variant.
Genome position (GRCh38, 1-based): chr6:72,248,062, G>A. VCF-style: chr6-72248062-G-A. GRCh37 (hg19) VCF-style: chr6-72957765-G-A.
Other names: c.529G>A, p.Val177Ile (NM_001350424.2, NM_001350428.2, NM_001350430.2 and 6 more transcripts); c.598G>A, p.Val200Ile (NM_001350425.2, NM_001350426.2, NM_001350427.2 and 37 more transcripts); c.355G>A, p.Val119Ile (NM_001350464.2, NM_001350465.2, NM_001350466.2 and 6 more transcripts); c.553G>A, p.Val185Ile (NM_001350470.2, NM_001350472.2, NM_001350473.2 and 2 more transcripts); short protein forms V119I, V726I, V177I, V185I, V200I.
Identifiers: ClinVar variation 2915416 (VCV002915416.3), dbSNP rs747404797, ClinGen allele CA3885916.

ClinVar aggregate classification (germline): Uncertain significance (1 of 4 stars; one submission).

Allele frequency attached by ClinVar (database versions not stated): gnomAD 0.00001; gnomAD exomes 0.00002; ExAC 0.00003.
gnomAD v4.1: 27 of 1,613,070 alleles (0.0017%); highest among the groups gnomAD compares: South Asian, 0.025%; no homozygotes.

Submission:

Labcorp Genetics (formerly Invitae), Labcorp
Classification: Uncertain significance. Last evaluated: 2022-12-12. Review status: criteria provided, single submitter. Criteria: Invitae Variant Classification Sherloc (09022015). Collection method: clinical testing. Allele origin: germline.
Comment: This missense change has been observed in individual(s) with autism spectrum disorder (PMID: 30564305). The frequency data for this variant in the population databases is considered unreliable, as metrics indicate poor data quality at this position in the gnomAD database. This sequence change replaces valine, which is neutral and non-polar, with isoleucine, which is neutral and non-polar, at codon 726 of the RIMS1 protein (p.Val726Ile). Algorithms developed to predict the effect of missense changes on protein structure and function are either unavailable or do not agree on the potential impact of this missense change (SIFT: "Deleterious"; PolyPhen-2: "Benign"; Align-GVGD: "Class C25"). In summary, the available evidence is currently insufficient to determine the role of this variant in disease. Therefore, it has been classified as a Variant of Uncertain Significance.

Literature cited by the submitters: PubMed 30564305.